The following is an entry in ClinVar:

ClinVar aggregate classification (germline): Uncertain significance (1 of 4 stars; one submission).

Allele frequency attached by ClinVar (database versions not stated): gnomAD exomes 0.00007; ExAC 0.00011; TOPMed 0.00011; gnomAD 0.00012; ESP Exome Variant Server 0.00015.
gnomAD v4.1: 119 of 1,610,872 alleles (0.0074%); highest among the groups gnomAD compares: Admixed American, 0.033%; no homozygotes.

Submission:

Labcorp Genetics (formerly Invitae), Labcorp
Classification: Uncertain significance. Last evaluated: 2023-08-04. Review status: criteria provided, single submitter. Criteria: Invitae Variant Classification Sherloc (09022015). Collection method: clinical testing. Allele origin: germline.
Comment: This sequence change replaces tryptophan, which is neutral and slightly polar, with arginine, which is basic and polar, at codon 948 of the POP1 protein (p.Trp948Arg). This variant is present in population databases (rs374628731, gnomAD 0.2%). This variant has not been reported in the literature in individuals affected with POP1-related conditions. ClinVar contains an entry for this variant (Variation ID: 2191047). An algorithm developed to predict the effect of missense changes on protein structure and function (PolyPhen-2) suggests that this variant is likely to be disruptive. In summary, the available evidence is currently insufficient to determine the role of this variant in disease. Therefore, it has been classified as a Variant of Uncertain Significance.

NM_001145860.2(POP1):c.2842T>C (p.Trp948Arg)

Gene: POP1 (POP1 homolog, ribonuclease P/MRP subunit; plus strand). Cytogenetic location: 8q22.2.
Variant type: single nucleotide variant.
Coding change: c.2842T>C on transcript NM_001145860.2 (MANE Select); coding-DNA position 2842, T replaced by C.
Protein change: p.Trp948Arg; replaces tryptophan 948 with arginine.
Molecular consequence: missense variant.
Genome position (GRCh38, 1-based): chr8:98,158,038, T>C. VCF-style: chr8-98158038-T-C. GRCh37 (hg19) VCF-style: chr8-99170266-T-C.
Other names: c.2842T>C, p.Trp948Arg (NM_001145861.2, NM_015029.3); short protein forms W948R.
Identifiers: ClinVar variation 2191047 (VCV002191047.2), dbSNP rs374628731, ClinGen allele CA4820918.